The following is an entry in ClinVar:

ClinVar aggregate classification (germline): Uncertain significance (1 of 4 stars; one submission).

gnomAD v4.1: 1 of 1,569,978 alleles (0.000064%); no homozygotes.

Submission:

GeneDx
Classification: Uncertain significance. Last evaluated: 2017-01-23. Review status: criteria provided, single submitter. Criteria: GeneDx Variant Classification (06012015). Collection method: clinical testing. Allele origin: germline. Affected: yes.
Comment: A variant of uncertain significance has been identified in the NR2F1 gene. The G76S variant has not been published as a pathogenic variant, nor has it been reported as a benign variant to our knowledge. The G76S variant is not observed in large population cohorts (Lek et al., 2016; 1000 Genomes Consortium et al., 2015; Exome Variant Server). The G76S variant is a non-conservative amino acid substitution, which is likely to impact secondary protein structure as these residues differ in polarity, charge, size and/or other properties. This substitution occurs at a position that is conserved in mammals. However, in silico analysis is inconsistent in its predictions as to whether or not the variant is damaging to the protein structure/function. Therefore, based on the currently available information, it is unclear whether this variant is a pathogenic variant or a rare benign variant.

NM_005654.6(NR2F1):c.226G>A (p.Gly76Ser)

Genes: NR2F1 (nuclear receptor subfamily 2 group F member 1; plus strand), NR2F1-AS1 (NR2F1 antisense RNA 1; minus strand). Cytogenetic location: 5q15.
Variant type: single nucleotide variant.
Coding change: c.226G>A on transcript NM_005654.6 (MANE Select); coding-DNA position 226, G replaced by A.
Protein change: p.Gly76Ser; replaces glycine 76 with serine.
Molecular consequence: missense variant.
Genome position (GRCh38, 1-based): chr5:93,585,249, G>A. VCF-style: chr5-93585249-G-A. GRCh37 (hg19) VCF-style: chr5-92920955-G-A.
Other names: short protein forms G76S.
Identifiers: ClinVar variation 392978 (VCV000392978.2), dbSNP rs776195820, ClinGen allele CA16604948.
Genomic context (GRCh38, chr5:93,585,249, plus strand): 5'-GGCCAGCCCGGAGCGCCCGCCACCCCCGGCACGGCGGGGGACAAGGGCCAGGGCCCGCCC[G>A]GTTCGGGCCAGAGCCAGCAGCACATCGAGTGCGTGGTGTGCGGGGACAAGTCGAGCGGCA-3'
Protein context (NP_005645.1, residues 66-86): TAGDKGQGPP[Gly76Ser]SGQSQQHIEC